The following is an entry in ClinVar:

NM_004329.3(BMPR1A):c.1077T>A (p.Ala359=)

Gene: BMPR1A (bone morphogenetic protein receptor type 1A; plus strand). Cytogenetic location: 10q23.2.
Variant type: single nucleotide variant.
Coding change: c.1077T>A on transcript NM_004329.3 (MANE Select); coding-DNA position 1077, T replaced by A.
Protein change: p.Ala359=; no amino-acid change (alanine 359 retained).
Molecular consequence: synonymous variant. On other transcripts: non-coding transcript variant (3).
Genome position (GRCh38, 1-based): chr10:86,919,380, T>A. VCF-style: chr10-86919380-T-A. GRCh37 (hg19) VCF-style: chr10-88679137-T-A.
Other names: c.1152T>A, p.Ala384= (NM_001406559.1); c.1125T>A, p.Ala375= (NM_001406560.1); c.1077T>A, p.Ala359= (NM_001406561.1, NM_001406562.1, NM_001406563.1 and 19 more transcripts); c.1071T>A, p.Ala357= (NM_001406583.1); c.993T>A, p.Ala331= (NM_001406584.1, NM_001406585.1, NM_001406586.1 and 2 more transcripts); c.735T>A, p.Ala245= (NM_001406589.1).
Identifiers: ClinVar variation 3223937 (VCV003223937.3), dbSNP rs761131818, ClinGen allele CA470373245.
Genomic context (GRCh38, chr10:86,919,380, plus strand): 5'-CTGTGGTCTGTGCCACCTGCACACAGAAATTTATGGCACCCAAGGAAAGCCCGCAATTGC[T>A]CATCGAGACCTAAAGAGCAAAAACATCCTCATCAAGAAAAATGGGAGTTGCTGCATTGCT-3'
Protein context (NP_004320.2, residues 349-369): IYGTQGKPAI[Ala359=]HRDLKSKNIL

ClinVar aggregate classification (germline): Benign/Likely benign. Review status: criteria provided, multiple submitters, no conflicts (2 of 4 stars). 3 submissions from 3 submitters: Benign (1); Likely benign (2). Last evaluated 2025-02-18.

Conditions:
Hereditary cancer-predisposing syndrome. Also called: Hereditary Cancer Syndrome; Tumor predisposition; Neoplastic Syndromes, Hereditary; Hereditary neoplastic syndrome. Identifiers: Orphanet 140162, MedGen C0027672, MeSH D009386, MONDO:0015356.
Juvenile polyposis syndrome (JPS). Identifiers: Orphanet 2929, MedGen C0345893, MONDO:0017380, OMIM 174900.

gnomAD v4.1: 2 of 1,612,948 alleles (0.00012%); highest among the groups gnomAD compares: African/African-American, 0.0027%; no homozygotes.

Submissions (3):

Labcorp Genetics (formerly Invitae), Labcorp
Classification: Likely benign for Juvenile polyposis syndrome. Last evaluated: 2025-02-18. Review status: criteria provided, single submitter. Criteria: Invitae Variant Classification Sherloc (09022015). Collection method: clinical testing. Allele origin: germline.

Myriad Genetics, Inc.
Classification: Benign for Juvenile polyposis syndrome. Last evaluated: 2024-08-06. Review status: criteria provided, single submitter. Criteria: Myriad Autosomal Dominant, Autosomal Recessive and X-Linked Classification Criteria (2023). Collection method: clinical testing. Allele origin: unknown.
Comment: This variant is considered benign. This variant is a silent/synonymous amino acid change and it is not expected to impact splicing.

Ambry Genetics
Classification: Likely benign for Hereditary cancer-predisposing syndrome. Last evaluated: 2023-12-29. Review status: criteria provided, single submitter. Criteria: Ambry Variant Classification Scheme 2023. Collection method: clinical testing. Allele origin: germline.